The following is an entry in ClinVar:

ClinVar aggregate classification (germline): Uncertain significance (1 of 4 stars; one submission).

Conditions:
Familial hemophagocytic lymphohistiocytosis 3 (FHL3). Also called: UNC13D-Related Familial Hemophagocytic Lymphohistiocytosis (UNC13D-fHLH). Identifiers: Orphanet 540, MedGen C1837174, MONDO:0012146, OMIM 608898.

Allele frequency attached by ClinVar (database versions not stated): gnomAD exomes below 0.00001; ExAC 0.00001; gnomAD 0.00001; TOPMed 0.00001; 1000 Genomes Project 30x 0.00016; 1000 Genomes Project 0.00020.

Submission:

Labcorp Genetics (formerly Invitae), Labcorp
Classification: Uncertain significance for Familial hemophagocytic lymphohistiocytosis 3. Last evaluated: 2022-06-02. Review status: criteria provided, single submitter. Criteria: Invitae Variant Classification Sherloc (09022015). Collection method: clinical testing. Allele origin: germline.
Comment: This sequence change replaces alanine, which is neutral and non-polar, with aspartic acid, which is acidic and polar, at codon 1011 of the UNC13D protein (p.Ala1011Asp). The frequency data for this variant in the population databases is considered unreliable, as metrics indicate poor data quality at this position in the gnomAD database. This variant has not been reported in the literature in individuals affected with UNC13D-related conditions. Algorithms developed to predict the effect of missense changes on protein structure and function are either unavailable or do not agree on the potential impact of this missense change (SIFT: "Not Available"; PolyPhen-2: "Possibly Damaging"; Align-GVGD: "Not Available"). In summary, the available evidence is currently insufficient to determine the role of this variant in disease. Therefore, it has been classified as a Variant of Uncertain Significance.

NM_199242.3(UNC13D):c.3032C>A (p.Ala1011Asp)

Gene: UNC13D (unc-13 homolog D; minus strand). Cytogenetic location: 17q25.1.
Variant type: single nucleotide variant.
Coding change: c.3032C>A on transcript NM_199242.3 (MANE Select); coding-DNA position 3032, C replaced by A.
Protein change: p.Ala1011Asp; replaces alanine 1011 with aspartic acid.
Molecular consequence: missense variant.
Genome position (GRCh38, 1-based): chr17:75,828,906, G>T on the plus strand (C>A on the coding strand, the complement: UNC13D is on the minus strand). VCF-style: chr17-75828906-G-T. GRCh37 (hg19) VCF-style: chr17-73824987-G-T.
Other names: short protein forms A1011D.
Identifiers: ClinVar variation 1940094 (VCV001940094.2), dbSNP rs573855825, ClinGen allele CA8772301.